The following is an entry in ClinVar:

ClinVar aggregate classification (germline): Uncertain significance. Review status: criteria provided, multiple submitters, no conflicts (2 of 4 stars). 2 submissions from 2 submitters: Uncertain significance (2). Last evaluated 2024-10-28.

Submissions (2):

Blueprint Genetics
Classification: Uncertain significance. Last evaluated: 2024-10-28. Review status: criteria provided, single submitter. Criteria: ACMG Guidelines, 2015. Collection method: clinical testing. Allele origin: germline.

Labcorp Genetics (formerly Invitae), Labcorp
Classification: Uncertain significance. Last evaluated: 2024-02-23. Review status: criteria provided, single submitter. Criteria: Invitae Variant Classification Sherloc (09022015). Collection method: clinical testing. Allele origin: germline.
Comment: This sequence change replaces lysine, which is basic and polar, with glutamine, which is neutral and polar, at codon 231 of the EIF2B2 protein (p.Lys231Gln). This variant is not present in population databases (gnomAD no frequency). This variant has not been reported in the literature in individuals affected with EIF2B2-related conditions. ClinVar contains an entry for this variant (Variation ID: 1957082). An algorithm developed to predict the effect of missense changes on protein structure and function (PolyPhen-2) suggests that this variant is likely to be disruptive. In summary, the available evidence is currently insufficient to determine the role of this variant in disease. Therefore, it has been classified as a Variant of Uncertain Significance.

NM_014239.4(EIF2B2):c.691A>C (p.Lys231Gln)

Gene: EIF2B2 (eukaryotic translation initiation factor 2B subunit beta; plus strand). Cytogenetic location: 14q24.3.
Variant type: single nucleotide variant.
Coding change: c.691A>C on transcript NM_014239.4 (MANE Select); coding-DNA position 691, A replaced by C.
Protein change: p.Lys231Gln; replaces lysine 231 with glutamine.
Molecular consequence: missense variant.
Genome position (GRCh38, 1-based): chr14:75,005,959, A>C. VCF-style: chr14-75005959-A-C. GRCh37 (hg19) VCF-style: chr14-75472662-A-C.
Other names: short protein forms K231Q.
Identifiers: ClinVar variation 1957082 (VCV001957082.4), dbSNP rs1889621145, ClinGen allele CA390426888.